The following is an entry in ClinVar:

ClinVar aggregate classification (germline): Pathogenic (1 of 4 stars; one submission).

Conditions:
GNPTG-mucolipidosis. Also called: ML III GAMMA; ML IIIC; MUCOLIPIDOSIS III, COMPLEMENTATION GROUP C; MUCOLIPIDOSIS III, IRANIAN VARIANT FORM; MUCOLIPIDOSIS III, VARIANT FORM; Mucolipidosis type III gamma. Identifiers: Orphanet 423470, Orphanet 577, MedGen C1854896, MONDO:0009652, OMIM 252605.

Submission:

Myriad Genetics, Inc.
Classification: Pathogenic for GNPTG-mucolipidosis. Last evaluated: 2025-07-22. Review status: criteria provided, single submitter. Criteria: Myriad Autosomal Dominant, Autosomal Recessive and X-Linked Classification Criteria (2023). Collection method: clinical testing. Allele origin: unknown.
Comment: NM_032520.4(GNPTG):c.515dupA(H172Qfs*27) is expected to be pathogenic in the context of mucolipidosis III gamma. This variant is predicted to lead to an abnormal or absent protein product due to the creation of a premature termination codon in GNPTG, a gene where loss-of-function variants are known to be pathogenic. Please note: this variant was assessed in the context of healthy population screening.

NM_032520.5(GNPTG):c.515dup (p.His172fs)

Gene: GNPTG (N-acetylglucosamine-1-phosphate transferase subunit gamma; plus strand). Cytogenetic location: 16p13.3.
Variant type: Duplication.
Coding change: c.515dup on transcript NM_032520.5 (MANE Select); coding-DNA position 515, one base duplicated (A; older notation c.515dupA).
Protein change: p.His172fs; shifts the reading frame from histidine 172.
Molecular consequence: frameshift variant.
Genome position (GRCh38, 1-based): chr16:1,362,309, A duplicated. VCF-style (leftmost placement, unchanged base first): chr16-1362308-C-CA. GRCh37 (hg19) VCF-style: chr16-1412309-C-CA.
Other names: short protein forms H172fs.
Identifiers: ClinVar variation 5014757 (VCV005014757.1).
Genomic context (GRCh38, chr16:1,362,308, plus strand): 5'-TCCGAGCCGAGCACCTGCGTCTACGCGCTGACGTTCGAGACCCCCCTCGTCTGCCACCCC[C>CA]ACGCCTTGCTAGGTAGGGGTGCGGGACGCAGTTGAGCCCAGTGGGGTCAGCCGCGCACGC-3'